The following is an entry in ClinVar:

ClinVar aggregate classification (germline): Pathogenic. Review status: criteria provided, multiple submitters, no conflicts (2 of 4 stars). 10 submissions from 10 submitters: Pathogenic (8). 2 of the submissions do not count toward it. Last evaluated 2026-05-12.

Conditions:
ABCA4-related disorder. Also called: ABCA4-related condition; ABCA4-related disorders. Identifiers: MedGen CN239167.
Cone-rod dystrophy 3 (CORD3). Identifiers: Orphanet 1872, MedGen C1858806, MONDO:0011395, OMIM 604116.
Age related macular degeneration 2. Also called: MACULAR DEGENERATION, SENILE; MACULOPATHY, AGE-RELATED, 2; MACULOPATHY, AGE-RELATED. Identifiers: MedGen C3495438, MONDO:0007932, OMIM 153800.
Retinitis pigmentosa 19 (RP19). Also called: ABCA4-Related Retinitis Pigmentosa. Identifiers: Orphanet 791, MedGen C1866422, MONDO:0011137, OMIM 601718.
Severe early-childhood-onset retinal dystrophy (STGD1). Also called: MACULAR DYSTROPHY WITH FLECKS, TYPE 1; STGD; Stargardt disease 1; Stargardt macular dystrophy; Juvenile onset macular degeneration. Identifiers: Orphanet 364055, Orphanet 827, MedGen C1855465, MeSH D000080362, MONDO:0009549, OMIM 248200.
Retinal dystrophy. Also called: Inherited retinal dystrophy. Identifiers: Orphanet 71862, MedGen C0854723, MeSH D058499, MONDO:0019118, HP:0000556.
Stargardt disease (FFM). Also called: Fundus flavimaculatus; Stargardt's disease. Identifiers: Orphanet 827, MedGen C0271093, MONDO:0019353.

Allele frequency attached by ClinVar (database versions not stated): gnomAD 0.00001; ExAC 0.00002; TOPMed 0.00001; gnomAD exomes 0.00001.
gnomAD v4.1: 11 of 1,613,982 alleles (0.00068%); highest among the groups gnomAD compares: East Asian, 0.0045%; no homozygotes.

Submissions (10):

PreventionGenetics, part of Exact Sciences
Classification: Pathogenic for ABCA4-related condition. Last evaluated: 2026-05-12. Review status: criteria provided, single submitter. Criteria: ACMG Guidelines, 2015. Collection method: clinical testing. Allele origin: germline.
Comment: The ABCA4 c.6118C>T variant is predicted to result in premature protein termination (p.Arg2040*). This variant has been reported, along with a second ABCA4 variant, in individuals with Stargardt/retinal disease (see, for example: Birtel et al. 2018. PubMed ID: 29555955; Table S1, Fujinami et al. 2018. PubMed ID: 29925512; Table S2, Liu et al. 2020. PubMed ID: 33090715; Table S2, Sun et al. 2020. PubMed ID: 33301772). This variant is present in 0.015% of alleles in individuals of East Asian descent in gnomAD. Nonsense variants in ABCA4 are an established mechanism of disease. This variant is interpreted as pathogenic.

Labcorp Genetics (formerly Invitae), Labcorp
Classification: Pathogenic. Last evaluated: 2025-05-05. Review status: criteria provided, single submitter. Criteria: Invitae Variant Classification Sherloc (09022015). Collection method: clinical testing. Allele origin: germline.
Comment: This sequence change creates a premature translational stop signal (p.Arg2040*) in the ABCA4 gene. It is expected to result in an absent or disrupted protein product. Loss-of-function variants in ABCA4 are known to be pathogenic (PMID: 10958761, 24938718, 25312043, 26780318). This variant is present in population databases (rs61753038, gnomAD 0.02%). This premature translational stop signal has been observed in individuals with ABCA4-related retinal dystrophy (PMID: 26161775, 29555955, 29925512; internal data). ClinVar contains an entry for this variant (Variation ID: 99431). For these reasons, this variant has been classified as Pathogenic.

3billion
Classification: Pathogenic for Severe early-childhood-onset retinal dystrophy. Last evaluated: 2025-01-20. Review status: criteria provided, single submitter. Criteria: ACMG Guidelines, 2015. Collection method: clinical testing. Allele origin: germline. Affected: yes.
Comment: The variant is observed at an extremely low frequency in the gnomAD v4.1.0 dataset (total allele frequency: <0.001%). Predicted Consequence/Location: Stop-gained (nonsense): predicted to result in a loss or disruption of normal protein function through nonsense-mediated decay (NMD) or protein truncation. Multiple pathogenic variants are reported downstream of the variant. Damaging effect on gene or gene product predicted by in silico programs is uncertain [3Cnet: 1.00 (damaging >=0.6, benign <0.15)]. The variant has been reported at least twice as pathogenic with clinical assertions and evidence for the classification (ClinVar ID: VCV000099431 /PMID: 12592048 /3billion dataset). Therefore, this variant is classified as Pathogenic according to the recommendation of ACMG/AMP guideline.

Blueprint Genetics
Classification: Pathogenic for ABCA4-related disorders. Last evaluated: 2021-05-19. Review status: criteria provided, single submitter. Criteria: ACMG Guidelines, 2015. Collection method: clinical testing. Allele origin: germline. Affected: yes. Observed: 5 variant alleles.

Fulgent Genetics
Classification: Pathogenic for Age related macular degeneration 2; Severe early-childhood-onset retinal dystrophy; Retinitis pigmentosa 19; Cone-rod dystrophy 3. Last evaluated: 2018-10-31. Review status: criteria provided, single submitter. Criteria: ACMG Guidelines, 2015. Collection method: clinical testing. Allele origin: unknown.

GeneDx
Classification: Pathogenic. Last evaluated: 2018-10-24. Review status: criteria provided, single submitter. Criteria: GeneDx Variant Classification (06012015). Collection method: clinical testing. Allele origin: germline. Affected: yes.
Comment: The R2040X nonsense variant in the ABCA4 gene has been reported in association with Stargardt disease (Baum et al., 2003; Downes et al., 2012; Fujinami et al., 2013; Jiang et al., 2016). This pathogenic variant is predicted to cause loss of normal protein function either through protein truncation or nonsense-mediated mRNA decay. The R2040X variant was observed in 3/18866 (0.016%) alleles in East Asian individuals in large population databases (Lek et al., 2016). We interpret R2040X as a pathogenic variant.

Eurofins Ntd Llc (ga)
Classification: Pathogenic. Last evaluated: 2016-08-16. Review status: criteria provided, single submitter. Criteria: EGL Classification Definitions 2015. Collection method: clinical testing. Allele origin: germline. Observed: 1 variant allele, 1 heterozygote.

Institute of Human Genetics, Univ. Regensburg, Univ. Regensburg
Classification: Pathogenic for Retinal dystrophy. Last evaluated: 2007-01-01. Review status: criteria provided, single submitter. Criteria: ACMG Guidelines, 2015. Collection method: clinical testing. Allele origin: germline. Affected: yes.

Department of Clinical Genetics, Copenhagen University Hospital, Rigshospitalet
Classification: Likely pathogenic for Stargardt disease. Last evaluated: 2018-04-01. Review status: no assertion criteria provided. Collection method: research. Allele origin: unknown. Affected: yes. Study: VeluxRD. Not counted in ClinVar's aggregate classification.

Retina International
No classification provided. Review status: no classification provided. Collection method: not provided. Allele origin: not provided. Not counted in ClinVar's aggregate classification.

Literature cited by the submitters: PubMed 10958761 (cited by Labcorp Genetics (formerly Invitae), Labcorp); PubMed 24938718 (cited by Labcorp Genetics (formerly Invitae), Labcorp); PubMed 25312043 (cited by Labcorp Genetics (formerly Invitae), Labcorp); PubMed 26780318 (cited by Labcorp Genetics (formerly Invitae), Labcorp); PubMed 26161775 (cited by Labcorp Genetics (formerly Invitae), Labcorp and Eurofins Ntd Llc (ga)); PubMed 29555955 (cited by Labcorp Genetics (formerly Invitae), Labcorp and Institute of Human Genetics, Univ. Regensburg, Univ. Regensburg); PubMed 29925512 (cited by Labcorp Genetics (formerly Invitae), Labcorp and Institute of Human Genetics, Univ. Regensburg, Univ. Regensburg); PubMed 12592048 (cited by 3 submitters); PubMed 23143460 (cited by Eurofins Ntd Llc (ga)); PubMed 23755871 (cited by Eurofins Ntd Llc (ga)); PubMed 25525159 (cited by Institute of Human Genetics, Univ. Regensburg, Univ. Regensburg); PubMed 31589614 (cited by Institute of Human Genetics, Univ. Regensburg, Univ. Regensburg); PubMed 31964843 (cited by Institute of Human Genetics, Univ. Regensburg, Univ. Regensburg); PubMed 33090715 (cited by Institute of Human Genetics, Univ. Regensburg, Univ. Regensburg); PubMed 33261146 (cited by Institute of Human Genetics, Univ. Regensburg, Univ. Regensburg); PubMed 33846575 (cited by Institute of Human Genetics, Univ. Regensburg, Univ. Regensburg); PubMed 33988224 (cited by Institute of Human Genetics, Univ. Regensburg, Univ. Regensburg); PubMed 33749171 (cited by Institute of Human Genetics, Univ. Regensburg, Univ. Regensburg); PubMed 33301772 (cited by Institute of Human Genetics, Univ. Regensburg, Univ. Regensburg); PubMed 33732702 (cited by Institute of Human Genetics, Univ. Regensburg, Univ. Regensburg); PubMed 35119454 (cited by Institute of Human Genetics, Univ. Regensburg, Univ. Regensburg); PubMed 30718709 (cited by Department of Clinical Genetics, Copenhagen University Hospital, Rigshospitalet).

NM_000350.3(ABCA4):c.6118C>T (p.Arg2040Ter)

Gene: ABCA4 (ATP binding cassette subfamily A member 4; minus strand). Cytogenetic location: 1p22.1.
Variant type: single nucleotide variant.
Coding change: c.6118C>T on transcript NM_000350.3 (MANE Select); coding-DNA position 6118, C replaced by T.
Protein change: p.Arg2040Ter; replaces arginine 2040 with a stop codon.
Molecular consequence: nonsense.
Genome position (GRCh38, 1-based): chr1:94,005,470, G>A on the plus strand (C>T on the coding strand, the complement: ABCA4 is on the minus strand). VCF-style: chr1-94005470-G-A. GRCh37 (hg19) VCF-style: chr1-94471026-G-A.
Other names: c.5896C>T, p.Arg1966Ter (NM_001425324.1); short protein forms R2040*, R1966*.
Identifiers: ClinVar variation 99431 (VCV000099431.22), dbSNP rs61753038, ClinGen allele CA227369.